The following is an entry in ClinVar:

ClinVar aggregate classification (germline): Benign/Likely benign. Review status: criteria provided, multiple submitters, no conflicts (2 of 4 stars). 4 submissions from 4 submitters: Benign (2); Likely benign (2). Last evaluated 2026-01-26.

Conditions:
Congenital microvillous atrophy (DIAR2). Also called: MICROVILLUS ATROPHY, CONGENITAL; Microvillus inclusion disease; Diarrhea 2 with microvillus atrophy, with or without cholestasis; CONGENITAL FAMILIAL PROTRACTED DIARRHEA WITH ENTEROCYTE BRUSH-BORDER ABNORMALITIES; DAVIDSON DISEASE. Identifiers: Orphanet 2290, MedGen C0341306, MONDO:0009635, OMIM 251850.

Allele frequency attached by ClinVar (database versions not stated): 1000 Genomes Project 30x 0.00094; TOPMed 0.00114; 1000 Genomes Project 0.00120; ESP Exome Variant Server 0.00124; gnomAD exomes 0.00279 and 0.00347; ExAC 0.00348; gnomAD 0.00360 and 0.00376.
gnomAD v4.1: 4,558 of 1,611,916 alleles (0.28%); highest among the groups gnomAD compares: Non-Finnish European, 0.24%; 18 homozygotes.

Submissions (4):

Labcorp Genetics (formerly Invitae), Labcorp
Classification: Benign. Last evaluated: 2026-01-26. Review status: criteria provided, single submitter. Criteria: Invitae Variant Classification Sherloc (09022015). Collection method: clinical testing. Allele origin: germline.

CeGaT Center for Human Genetics Tuebingen
Classification: Benign. Last evaluated: 2022-05-01. Review status: criteria provided, single submitter. Criteria: CeGaT Center For Human Genetics Tuebingen Variant Classification Criteria Version 2. Collection method: clinical testing. Allele origin: germline. Affected: yes. Observed: 2 variant alleles.
Comment: MYO5B: BP4, BS1, BS2

Illumina Laboratory Services, Illumina
Classification: Likely benign for Congenital microvillous atrophy. Last evaluated: 2018-01-12. Review status: criteria provided, single submitter. Criteria: ICSL Variant Classification Criteria 13 December 2019. Collection method: clinical testing. Allele origin: germline.
Comment: This variant was observed in the ICSL laboratory as part of a predisposition screen in an ostensibly healthy population. It had not been previously curated by ICSL or reported in the Human Gene Mutation Database (HGMD: prior to June 1st, 2018), and was therefore a candidate for classification through an automated scoring system. Utilizing variant allele frequency, disease prevalence and penetrance estimates, and inheritance mode, an automated score was calculated to assess if this variant is too frequent to cause the disease. Based on the score and internal cut-off values, a variant classified as likely benign is not then subjected to further curation. The score for this variant resulted in a classification of likely benign for this disease.

Breakthrough Genomics
Classification: Likely benign. Review status: criteria provided, single submitter. Criteria: ACMG Guidelines, 2015. Collection method: not provided. Allele origin: germline. Inheritance: Autosomal recessive inheritance. Affected: yes.

NM_001080467.3(MYO5B):c.2203-7T>C

Gene: MYO5B (myosin VB; minus strand). Cytogenetic location: 18q21.1.
Variant type: single nucleotide variant.
Coding change: c.2203-7T>C on transcript NM_001080467.3 (MANE Select); 7 bases into the intron before coding-DNA position 2203, T replaced by C.
Molecular consequence: intron variant.
Genome position (GRCh38, 1-based): chr18:49,906,637, A>G on the plus strand (T>C on the coding strand, the complement: MYO5B is on the minus strand). VCF-style: chr18-49906637-A-G. GRCh37 (hg19) VCF-style: chr18-47433007-A-G.
Identifiers: ClinVar variation 789345 (VCV000789345.56), dbSNP rs151267350, ClinGen allele CA8961162.